The following is an entry in ClinVar:

NM_020699.4(GATAD2B):c.442G>A (p.Ala148Thr)

Gene: GATAD2B (GATA zinc finger domain containing 2B; minus strand). Cytogenetic location: 1q21.3.
Variant type: single nucleotide variant.
Coding change: c.442G>A on transcript NM_020699.4 (MANE Select); coding-DNA position 442, G replaced by A.
Protein change: p.Ala148Thr; replaces alanine 148 with threonine.
Molecular consequence: missense variant.
Genome position (GRCh38, 1-based): chr1:153,819,629, C>T on the plus strand (G>A on the coding strand, the complement: GATAD2B is on the minus strand). VCF-style: chr1-153819629-C-T. GRCh37 (hg19) VCF-style: chr1-153792105-C-T.
Other names: c.442G>A (NM_020699.2); short protein forms A148T.
Identifiers: ClinVar variation 1424167 (VCV001424167.7), dbSNP rs374436608, ClinGen allele CA1120867.

ClinVar aggregate classification (germline): Uncertain significance. Review status: criteria provided, multiple submitters, no conflicts (2 of 4 stars). 2 submissions from 2 submitters: Uncertain significance (2). Last evaluated 2025-10-23.

Conditions:
Inborn genetic diseases. Identifiers: MedGen C0950123, MeSH D030342.

Allele frequency attached by ClinVar (database versions not stated): gnomAD 0.00003; ExAC 0.00001; gnomAD exomes 0.00001; ESP Exome Variant Server 0.00023; TOPMed 0.00003.
gnomAD v4.1: 7 of 1,607,776 alleles (0.00044%); highest among the groups gnomAD compares: African/African-American, 0.0094%; no homozygotes.

Submissions (2):

Labcorp Genetics (formerly Invitae), Labcorp
Classification: Uncertain significance. Last evaluated: 2025-10-23. Review status: criteria provided, single submitter. Criteria: Invitae Variant Classification Sherloc (09022015). Collection method: clinical testing. Allele origin: germline.
Comment: This sequence change replaces alanine, which is neutral and non-polar, with threonine, which is neutral and polar, at codon 148 of the GATAD2B protein (p.Ala148Thr). This variant is present in population databases (rs374436608, gnomAD 0.01%). This variant has not been reported in the literature in individuals affected with GATAD2B-related conditions. ClinVar contains an entry for this variant (Variation ID: 1424167). Invitae Evidence Modeling of protein sequence and biophysical properties (such as structural, functional, and spatial information, amino acid conservation, physicochemical variation, residue mobility, and thermodynamic stability) indicates that this missense variant is not expected to disrupt GATAD2B protein function with a negative predictive value of 80%. In summary, the available evidence is currently insufficient to determine the role of this variant in disease. Therefore, it has been classified as a Variant of Uncertain Significance.

Ambry Genetics
Classification: Uncertain significance for Inborn genetic diseases. Last evaluated: 2025-08-30. Review status: criteria provided, single submitter. Criteria: Ambry Variant Classification Scheme 2023. Collection method: clinical testing. Allele origin: germline.